The following is an entry in ClinVar:

NC_000023.11:g.(10900001_11120000)del

Gene: HCCS (holocytochrome c synthase; plus strand).
Variant type: Deletion.
Identifiers: ClinVar variation 4796505 (VCV004796505.1).

ClinVar aggregate classification (germline): Pathogenic (1 of 4 stars; one submission).

Conditions:
Syndromic microphthalmia. Also called: Syndromic microphthalmia-anophthalmia-coloboma. Identifiers: Orphanet 202948, MedGen C5679782, MONDO:0016073.

Submission:

Genetics Department, University Hospital of Toulouse
Classification: Pathogenic for Syndromic microphthalmia. Last evaluated: 2025-10-05. Review status: criteria provided, single submitter. Criteria: ACMG/ClinGen CNV Guidelines, 2019. Collection method: clinical testing. Allele origin: germline. Affected: yes.
Comment: The deletion contains HCCS. It was classified as P (1A, 2C-1, 3A, 5D, score 1.35).